The following is an entry in ClinVar:

NM_000057.4(BLM):c.3422A>G (p.Asn1141Ser)

Gene: BLM (BLM RecQ like helicase; plus strand). Cytogenetic location: 15q26.1.
Variant type: single nucleotide variant.
Coding change: c.3422A>G on transcript NM_000057.4 (MANE Select); coding-DNA position 3422, A replaced by G.
Protein change: p.Asn1141Ser; replaces asparagine 1141 with serine.
Molecular consequence: missense variant. On other transcripts: intron variant (1).
Genome position (GRCh38, 1-based): chr15:90,803,584, A>G. VCF-style: chr15-90803584-A-G. GRCh37 (hg19) VCF-style: chr15-91346814-A-G.
Other names: c.3422A>G, p.Asn1141Ser (NM_001287246.2); c.2297A>G, p.Asn766Ser (NM_001287248.2); c.3358+5247A>G (NM_001287247.2); short protein forms N1141S, N766S.
Identifiers: ClinVar variation 651105 (VCV000651105.19), dbSNP rs770370129, ClinGen allele CA7739032.

ClinVar aggregate classification (germline): Uncertain significance. Review status: criteria provided, multiple submitters, no conflicts (2 of 4 stars). 6 submissions from 6 submitters: Uncertain significance (5). 1 of the submissions does not count toward it. Last evaluated 2025-01-19.

Conditions:
Hereditary cancer-predisposing syndrome. Also called: Neoplastic Syndromes, Hereditary; Tumor predisposition; Hereditary Cancer Syndrome; Hereditary neoplastic syndrome. Identifiers: Orphanet 140162, MedGen C0027672, MeSH D009386, MONDO:0015356.
Hereditary breast ovarian cancer syndrome. Also called: Breast and ovarian cancer; BRCA1- and BRCA2-Associated Hereditary Breast and Ovarian Cancer; Hereditary breast and ovarian cancer; Hereditary breast and ovarian cancer syndrome (HBOC); Hereditary breast and/or ovarian cancer syndrome; Hereditary breast and ovarian cancer syndrome. Identifiers: Orphanet 145, MedGen C0677776, MeSH D061325, MONDO:0003582. Disease mechanism: loss of function.
Bloom syndrome (BLM). Also called: Bloom-Torre-Machacek syndrome. Identifiers: Orphanet 125, MedGen C0005859, MONDO:0008876, OMIM 210900.

Allele frequency attached by ClinVar (database versions not stated): ExAC 0.00001; gnomAD exomes 0.00003.
gnomAD v4.1: 20 of 1,613,980 alleles (0.0012%); highest among the groups gnomAD compares: East Asian, 0.045%; no homozygotes.

Submissions (6):

Labcorp Genetics (formerly Invitae), Labcorp
Classification: Uncertain significance for Bloom syndrome. Last evaluated: 2025-01-19. Review status: criteria provided, single submitter. Criteria: Invitae Variant Classification Sherloc (09022015). Collection method: clinical testing. Allele origin: germline.
Comment: This sequence change replaces asparagine, which is neutral and polar, with serine, which is neutral and polar, at codon 1141 of the BLM protein (p.Asn1141Ser). This variant is present in population databases (rs770370129, gnomAD 0.04%). This variant has not been reported in the literature in individuals affected with BLM-related conditions. ClinVar contains an entry for this variant (Variation ID: 651105). Invitae Evidence Modeling of protein sequence and biophysical properties (such as structural, functional, and spatial information, amino acid conservation, physicochemical variation, residue mobility, and thermodynamic stability) indicates that this missense variant is expected to disrupt BLM protein function with a positive predictive value of 80%. In summary, the available evidence is currently insufficient to determine the role of this variant in disease. Therefore, it has been classified as a Variant of Uncertain Significance.

Ambry Genetics
Classification: Uncertain significance for Hereditary cancer-predisposing syndrome. Last evaluated: 2024-08-03. Review status: criteria provided, single submitter. Criteria: Ambry Variant Classification Scheme 2023. Collection method: clinical testing. Allele origin: germline.
Comment: The p.N1141S variant (also known as c.3422A>G), located in coding exon 17 of the BLM gene, results from an A to G substitution at nucleotide position 3422. The asparagine at codon 1141 is replaced by serine, an amino acid with highly similar properties. This amino acid position is highly conserved in available vertebrate species. In addition, this alteration is predicted to be tolerated by in silico analysis. Since supporting evidence is limited at this time, the clinical significance of this alteration remains unclear.

Fulgent Genetics
Classification: Uncertain significance for Bloom syndrome. Last evaluated: 2024-03-26. Review status: criteria provided, single submitter. Criteria: ACMG Guidelines, 2015. Collection method: clinical testing. Allele origin: germline.

St. Jude Molecular Pathology, St. Jude Children's Research Hospital
Classification: Uncertain significance for Bloom syndrome. Last evaluated: 2023-11-28. Review status: criteria provided, single submitter. Criteria: St. Jude Assertion Criteria 2020. Collection method: clinical testing. Allele origin: germline.
Comment: The BLM c.3422A>G (p.Asn1141Ser) missense change has a maximum subpopulation frequency of 0.038% in gnomAD v2.1.1. The in silico tool REVEL predicts a benign effect on protein function, but this prediction has not been confirmed by functional studies. This variant has not been reported in individuals with Bloom syndrome. In summary, the evidence currently available is insufficient to determine the clinical significance of this variant. It has therefore been classified as of uncertain significance.

Cancer Genomics Group, Japanese Foundation For Cancer Research
Classification: Uncertain significance for Hereditary breast and ovarian cancer syndrome. Last evaluated: 2019-05-01. Review status: criteria provided, single submitter. Criteria: ACMG Guidelines, 2015. Collection method: research. Allele origin: germline. Affected: yes.

Natera, Inc.
Classification: Uncertain significance for Bloom syndrome. Last evaluated: 2019-02-22. Review status: no assertion criteria provided. Collection method: clinical testing. Allele origin: germline. Not counted in ClinVar's aggregate classification.